The following is an entry in ClinVar:

ClinVar aggregate classification (germline): Pathogenic/Likely pathogenic. Review status: criteria provided, multiple submitters, no conflicts (2 of 4 stars). 7 submissions from 7 submitters: Pathogenic (2); Likely pathogenic (4). 1 of the submissions does not count toward it. Last evaluated 2026-01-12.

Conditions:
QARS1-related disorder. Also called: QARS1-related condition.
Intellectual developmental disorder, autosomal dominant 43. Also called: Intellectual disability, autosomal dominant 43. Identifiers: MedGen C4707429, MONDO:0014858, OMIM 616977.
Diffuse cerebral and cerebellar atrophy - intractable seizures - progressive microcephaly syndrome. Also called: Microcephaly, progressive, with seizures and cerebral and cerebellar atrophy. Identifiers: Orphanet 404437, MedGen C4014239, MONDO:0014335, OMIM 615760.

Allele frequency attached by ClinVar (database versions not stated): TOPMed below 0.00001; gnomAD 0.00001; gnomAD exomes 0.00001 and 0.00003.
gnomAD v4.1: 42 of 1,614,086 alleles (0.0026%); highest among the groups gnomAD compares: Non-Finnish European, 0.0033%; no homozygotes.

Submissions (7):

Labcorp Genetics (formerly Invitae), Labcorp
Classification: Likely pathogenic for Diffuse cerebral and cerebellar atrophy - intractable seizures - progressive microcephaly syndrome. Last evaluated: 2026-01-12. Review status: criteria provided, single submitter. Criteria: Invitae Variant Classification Sherloc (09022015). Collection method: clinical testing. Allele origin: germline.
Comment: This sequence change replaces arginine, which is basic and polar, with tryptophan, which is neutral and slightly polar, at codon 515 of the QARS protein (p.Arg515Trp). This variant is present in population databases (no rsID available, gnomAD 0.004%). This missense change has been observed in individual(s) with progressive microcephaly with seizures and cerebral and cerebellar atrophy (PMID: 24656866). In at least one individual the data is consistent with being in trans (on the opposite chromosome) from a pathogenic variant. It has also been observed to segregate with disease in related individuals. ClinVar contains an entry for this variant (Variation ID: 127118). Invitae Evidence Modeling of protein sequence and biophysical properties (such as structural, functional, and spatial information, amino acid conservation, physicochemical variation, residue mobility, and thermodynamic stability) has been performed for this missense variant. However, the output from this modeling did not meet the statistical confidence thresholds required to predict the impact of this variant on QARS protein function. Experimental studies have shown that this missense change affects QARS function (PMID: 24656866). In summary, the currently available evidence indicates that the variant is pathogenic, but additional data are needed to prove that conclusively. Therefore, this variant has been classified as Likely Pathogenic.

PreventionGenetics, part of Exact Sciences
Classification: Likely pathogenic for QARS1-related condition. Last evaluated: 2025-12-18. Review status: criteria provided, single submitter. Criteria: ACMG Guidelines, 2015. Collection method: clinical testing. Allele origin: germline.
Comment: The QARS1 c.1543C>T variant is predicted to result in the amino acid substitution p.Arg515Trp. This has been in two siblings with progressive microcephaly & intractable seizures and has been shown to impact protein function (Zhang et al. 2014. PubMed ID: 24656866). This variant is reported in 0.0040% of alleles in individuals of African descent in gnomAD. This variant is interpreted as likely pathogenic.

GeneDx
Classification: Likely pathogenic. Last evaluated: 2022-05-24. Review status: criteria provided, single submitter. Criteria: GeneDx Variant Classification Process June 2021. Collection method: clinical testing. Allele origin: germline. Affected: yes.
Comment: Published functional studies demonstrate a damaging effect, as this variant disrupts aminoacylation activity, causing protein misfolding and aggregation (Zhang et al., 2014; Ognjenovi et al., 2016); In silico analysis supports that this missense variant has a deleterious effect on protein structure/function; Not observed at significant frequency in large population cohorts (gnomAD); This variant is associated with the following publications: (PMID: 26869582, 24656866)

Greenwood Genetic Center Diagnostic Laboratories, Greenwood Genetic Center
Classification: Pathogenic for Diffuse cerebral and cerebellar atrophy - intractable seizures - progressive microcephaly syndrome. Last evaluated: 2021-10-13. Review status: criteria provided, single submitter. Criteria: ACMG Guidelines, 2015. Collection method: clinical testing. Allele origin: germline. Affected: yes.
Comment: PS3, PP3, PM1, PM2, PM3

New York Genome Center
Classification: Likely pathogenic for Diffuse cerebral and cerebellar atrophy - intractable seizures - progressive microcephaly syndrome. Last evaluated: 2021-08-13. Review status: criteria provided, single submitter. Criteria: NYGC Assertion Criteria 2020. Collection method: clinical testing. Allele origin: inherited. Observed: 1 heterozygote. Study: CSER-NYCKidSeq.

Neuberg Centre For Genomic Medicine, NCGM
Classification: Pathogenic for Intellectual developmental disorder, autosomal dominant 43. Review status: criteria provided, single submitter. Criteria: ACMG Guidelines, 2015. Collection method: clinical testing. Allele origin: germline. Inheritance: Autosomal recessive inheritance. Affected: yes.
Comment: The observed missense c.1543C>T (p.Arg515Trp) variant in QARS1 gene has been reported in individuals affected with progressive microcephaly with seizures and cerebral and cerebellar atrophy (Zhang et al., 2014). Experimental studies demonstrate that this variant disrupts aminoacylation activity, causing protein misfolding and aggregation (Zhang et al., 2014; Ognjenović et al., 2016). This variant is present with allele frequency of 0.001% in gnomAD Exomes. This variant has been submitted to the ClinVar database as Likely Pathogenic/ Pathogenic. Multiple lines of computational evidence (Polyphen - Probably Damaging, SIFT - Damaging and MutationTaster - Disease causing) predict a damaging effect on protein structure and function for this variant. The reference amino acid of p.Arg515Trp in QARS1 is predicted as conserved by GERP++ and PhyloP across 100 vertebrates. The amino acid Arg at position 515 is changed to a Trp changing protein sequence and it might alter its composition and physico-chemical properties. For these reasons, this variant has been classified as Pathogenic. In absence of another reportable variant in QARS1 gene, the molecular diagnosis is not confirmed.

OMIM
Classification: Pathogenic for MICROCEPHALY, PROGRESSIVE, WITH SEIZURES AND CEREBRAL AND CEREBELLAR ATROPHY. Last evaluated: 2014-04-03. Review status: no assertion criteria provided. Collection method: literature only. Allele origin: germline. Not counted in ClinVar's aggregate classification.

Literature cited by the submitters: PubMed 24656866 (cited by Labcorp Genetics (formerly Invitae), Labcorp and OMIM).

NM_005051.3(QARS1):c.1543C>T (p.Arg515Trp)

Gene: QARS1 (glutaminyl-tRNA synthetase 1; minus strand). Cytogenetic location: 3p21.31.
Variant type: single nucleotide variant.
Coding change: c.1543C>T on transcript NM_005051.3 (MANE Select); coding-DNA position 1543, C replaced by T.
Protein change: p.Arg515Trp; replaces arginine 515 with tryptophan.
Molecular consequence: missense variant. On other transcripts: non-coding transcript variant (1).
Genome position (GRCh38, 1-based): chr3:49,099,415, G>A on the plus strand (C>T on the coding strand, the complement: QARS1 is on the minus strand). VCF-style: chr3-49099415-G-A. GRCh37 (hg19) VCF-style: chr3-49136848-G-A.
Other names: c.1510C>T, p.Arg504Trp (NM_001272073.2); short protein forms R515W, R504W.
Identifiers: ClinVar variation 127118 (VCV000127118.19), dbSNP rs587777334, ClinGen allele CA214476.